The following is an entry in ClinVar:

ClinVar aggregate classification (germline): Likely benign (0 of 4 stars; one submission).

Conditions:
BLTP1-related disorder. Also called: BLTP1-related condition.

gnomAD v4.1: 2 of 1,614,200 alleles (0.00012%); highest among the groups gnomAD compares: Non-Finnish European, 0.00017%; no homozygotes.

Submission:

PreventionGenetics, part of Exact Sciences
Classification: Likely benign for BLTP1-related condition. Last evaluated: 2021-04-26. Review status: no assertion criteria provided. Collection method: clinical testing. Allele origin: germline.
Comment: This variant is classified as likely benign based on ACMG/AMP sequence variant interpretation guidelines (Richards et al. 2015 PMID: 25741868, with internal and published modifications).

NM_001384125.1(BLTP1):c.4092A>T (p.Ser1364=)

Gene: BLTP1 (bridge-like lipid transfer protein family member 1; plus strand). Cytogenetic location: 4q27.
Variant type: single nucleotide variant.
Coding change: c.4092A>T on transcript NM_001384125.1 (MANE Select); coding-DNA position 4092, A replaced by T.
Protein change: p.Ser1364=; no amino-acid change (serine 1364 retained).
Molecular consequence: synonymous variant.
Genome position (GRCh38, 1-based): chr4:122,239,774, A>T. VCF-style: chr4-122239774-A-T. GRCh37 (hg19) VCF-style: chr4-123160929-A-T.
Other names: c.4092A>T, p.Ser1364= (NM_015312.4).
Identifiers: ClinVar variation 3030258 (VCV003030258.2), dbSNP rs2477816988, ClinGen allele CA441115855.